The following is an entry in ClinVar:

NM_018979.4(WNK1):c.4888C>A (p.Gln1630Lys)

Gene: WNK1 (WNK lysine deficient protein kinase 1; plus strand). Cytogenetic location: 12p13.33.
Variant type: single nucleotide variant.
Coding change: c.4888C>A on transcript NM_018979.4 (MANE Select); coding-DNA position 4888, C replaced by A.
Protein change: p.Gln1630Lys; replaces glutamine 1630 with lysine.
Molecular consequence: missense variant.
Genome position (GRCh38, 1-based): chr12:885,692, C>A. VCF-style: chr12-885692-C-A. GRCh37 (hg19) VCF-style: chr12-994858-C-A.
Other names: c.5668C>A, p.Gln1890Lys (NM_001184985.2); c.4147C>A, p.Gln1383Lys (NM_014823.3); c.5644C>A, p.Gln1882Lys (NM_213655.5); short protein forms Q1890K, Q1630K, Q1882K, Q1383K.
Identifiers: ClinVar variation 1748810 (VCV001748810.8), dbSNP rs770478100, ClinGen allele CA6383042.
Genomic context (GRCh38, chr12:885,692, plus strand): 5'-GTGCCTGCTGTACAGCAGACACTAATTCATAGTCAGCCTCAACCAGCTTTGCTTCCCAAC[C>A]AGCCCCATACTCATTGTCCTGAAGTAGATTCTGATACACAACCCAAAGCTCCTGGAATTG-3'
Protein context (NP_061852.3, residues 1620-1640): SQPQPALLPN[Gln1630Lys]PHTHCPEVDS

ClinVar aggregate classification (germline): Uncertain significance. Review status: criteria provided, multiple submitters, no conflicts (2 of 4 stars). 3 submissions from 3 submitters: Uncertain significance (3). Last evaluated 2024-08-05.

Conditions:
Inborn genetic diseases. Identifiers: MedGen C0950123, MeSH D030342.
Neuropathy, hereditary sensory and autonomic, type 2A (HSAN2A). Also called: MORVAN DISEASE; NEUROPATHY, CONGENITAL SENSORY; NEUROPATHY, HEREDITARY SENSORY RADICULAR, AUTOSOMAL RECESSIVE; NEUROPATHY, HEREDITARY SENSORY, TYPE IIA; NEUROPATHY, PROGRESSIVE SENSORY, OF CHILDREN; ACROOSTEOLYSIS, GIACCAI TYPE. Identifiers: Orphanet 970, MedGen C2752089, MONDO:0024309, OMIM 201300.
Pseudohypoaldosteronism type 2C (PHA2C). Also called: Pseudohypoaldosteronism Type IIC. Identifiers: Orphanet 757, Orphanet 88940, MedGen C1840391, MONDO:0013778, OMIM 614492.

Allele frequency attached by ClinVar (database versions not stated): ExAC 0.00001; gnomAD 0.00001; gnomAD exomes 0.00002.
gnomAD v4.1: 14 of 1,614,074 alleles (0.00087%); highest among the groups gnomAD compares: African/African-American, 0.0013%; no homozygotes.

Submissions (3):

Labcorp Genetics (formerly Invitae), Labcorp
Classification: Uncertain significance for Neuropathy, hereditary sensory and autonomic, type 2A; Pseudohypoaldosteronism type 2C. Last evaluated: 2024-08-05. Review status: criteria provided, single submitter. Criteria: Invitae Variant Classification Sherloc (09022015). Collection method: clinical testing. Allele origin: germline.
Comment: This sequence change replaces glutamine, which is neutral and polar, with lysine, which is basic and polar, at codon 1882 of the WNK1 protein (p.Gln1882Lys). This variant is present in population databases (rs770478100, gnomAD 0.004%). This variant has not been reported in the literature in individuals affected with WNK1-related conditions. ClinVar contains an entry for this variant (Variation ID: 1748810). Advanced modeling of protein sequence and biophysical properties (such as structural, functional, and spatial information, amino acid conservation, physicochemical variation, residue mobility, and thermodynamic stability) performed at Invitae indicates that this missense variant is not expected to disrupt WNK1 protein function with a negative predictive value of 95%. In summary, the available evidence is currently insufficient to determine the role of this variant in disease. Therefore, it has been classified as a Variant of Uncertain Significance.

Fulgent Genetics
Classification: Uncertain significance for Neuropathy, hereditary sensory and autonomic, type 2A; Pseudohypoaldosteronism type 2C. Last evaluated: 2024-05-11. Review status: criteria provided, single submitter. Criteria: ACMG Guidelines, 2015. Collection method: clinical testing. Allele origin: germline.

Ambry Genetics
Classification: Uncertain significance for Inborn genetic diseases. Last evaluated: 2021-07-21. Review status: criteria provided, single submitter. Criteria: Ambry Variant Classification Scheme 2023. Collection method: clinical testing. Allele origin: germline.
Comment: The p.Q1882K variant (also known as c.5644C>A), located in coding exon 19 of the WNK1 gene, results from a C to A substitution at nucleotide position 5644. The glutamine at codon 1882 is replaced by lysine, an amino acid with similar properties. This amino acid position is highly conserved in available vertebrate species. In addition, this alteration is predicted to be deleterious by in silico analysis. Since supporting evidence is limited at this time, the clinical significance of this alteration remains unclear.